The following is an entry in ClinVar:

NM_020975.6(RET):c.1859G>A (p.Cys620Tyr)

Gene: RET (ret proto-oncogene; plus strand). Cytogenetic location: 10q11.21.
Variant type: single nucleotide variant.
Coding change: c.1859G>A on transcript NM_020975.6 (MANE Select); coding-DNA position 1859, G replaced by A.
Protein change: p.Cys620Tyr; replaces cysteine 620 with tyrosine.
Molecular consequence: missense variant.
Genome position (GRCh38, 1-based): chr10:43,113,655, G>A. VCF-style: chr10-43113655-G-A. GRCh37 (hg19) VCF-style: chr10-43609103-G-A.
Other names: c.1859G>A, p.Cys620Tyr (NM_000323.2, NM_001406743.1, NM_001406744.1 and 6 more transcripts); c.1097G>A, p.Cys366Tyr (NM_001355216.2); c.1730G>A, p.Cys577Tyr (NM_001406761.1, NM_001406762.1, NM_001406764.1 and 1 more transcripts); c.1571G>A, p.Cys524Tyr (NM_001406766.1, NM_001406767.1, NM_001406770.1); c.1463G>A, p.Cys488Tyr (NM_001406769.1, NM_001406772.1); c.1421G>A, p.Cys474Tyr (NM_001406771.1, NM_001406773.1); c.833G>A, p.Cys278Tyr (NM_001406783.1, NM_001406786.1); c.869G>A, p.Cys290Tyr (NM_001406784.1); and 5 more; short protein forms C620Y, C366Y, C225Y, C321Y, C445Y, C488Y, C524Y, C278Y.
Identifiers: ClinVar variation 13916 (VCV000013916.30), dbSNP rs77503355, ClinGen allele CA008076.

ClinVar aggregate classification (germline): Pathogenic. Review status: criteria provided, multiple submitters, no conflicts (2 of 4 stars). 11 submissions from 10 submitters: Pathogenic (8). 3 of the submissions do not count toward it. Last evaluated 2025-08-07.

Conditions:
Multiple endocrine neoplasia type 2A. Also called: MULTIPLE ENDOCRINE NEOPLASIA, TYPE IIA; PTC SYNDROME; SIPPLE SYNDROME; MEN 2A; MEN-2A syndrome; Pheochromocytoma and amyloid producing medullary thyroid carcinoma. Identifiers: Orphanet 247698, Orphanet 653, MedGen C0025268, MeSH D018813, MONDO:0008234, OMIM 171400.
Pheochromocytoma. Also called: MAX-Related Hereditary Paraganglioma-Pheochromocytoma Syndrome. Identifiers: Orphanet 29072, MedGen C0031511, MONDO:0008233, OMIM 171300, HP:0002666.
Familial medullary thyroid carcinoma (MTC). Also called: Thyroid cancer, familial medullary; MTC, familial; Familial Medullary Thyroid Carcinoma (FMTC). Identifiers: Orphanet 653, Orphanet 99361, MedGen C1833921, MONDO:0007958, OMIM 155240.
Multiple endocrine neoplasia type 2B. Also called: MEN 2B; Multiple endocrine neoplasia, type 3; MULTIPLE ENDOCRINE NEOPLASIA, TYPE IIB; MUCOSAL NEUROMA SYNDROME; NEUROMATA, MUCOSAL, WITH ENDOCRINE TUMORS; WAGENMANN-FROBOESE SYNDROME. Identifiers: Orphanet 247709, Orphanet 653, MedGen C0025269, MeSH D018814, MONDO:0008082, OMIM 162300.
Hirschsprung disease, susceptibility to, 1 (HSCR1). Also called: RET-Related Hirschsprung Disease. Identifiers: Orphanet 388, MedGen C3888239, MONDO:0007723, OMIM 142623.
Hereditary cancer-predisposing syndrome. Also called: Neoplastic Syndromes, Hereditary; Tumor predisposition; Hereditary neoplastic syndrome; Hereditary Cancer Syndrome. Identifiers: Orphanet 140162, MedGen C0027672, MeSH D009386, MONDO:0015356.
Aganglionic megacolon (HSCR). Also called: Hirschsprung's disease; Hirschsprung disease. Identifiers: Orphanet 388, MedGen C0019569, MeSH D006627, MONDO:0018309, HP:0002251.
Multiple endocrine neoplasia, type 2 (MEN2). Identifiers: Orphanet 653, MedGen C4048306, MONDO:0019003. Disease mechanism: gain of function.

Allele frequency attached by ClinVar (database versions not stated): TOPMed below 0.00001.

Submissions (11):

Labcorp Genetics (formerly Invitae), Labcorp
Classification: Pathogenic for Multiple endocrine neoplasia, type 2. Last evaluated: 2025-08-07. Review status: criteria provided, single submitter. Criteria: Invitae Variant Classification Sherloc (09022015). Collection method: clinical testing. Allele origin: germline.
Comment: This sequence change replaces cysteine, which is neutral and slightly polar, with tyrosine, which is neutral and polar, at codon 620 of the RET protein (p.Cys620Tyr). This variant is not present in population databases (gnomAD no frequency). This missense change has been observed in individual(s) with medullary thyroid carcinoma (MTC) and pheochromocytoma (PMID: 8797874, 9820617, 16322339, 16868135, 18062802, 18063059, 20979234, 26556299). It has also been observed to segregate with disease in related individuals. ClinVar contains an entry for this variant (Variation ID: 13916). An algorithm developed to predict the effect of missense changes on protein structure and function (PolyPhen-2) suggests that this variant is likely to be tolerated. Experimental studies have shown that this missense change affects RET function (PMID: 9012462, 15472167). This variant disrupts the p.Cys620 amino acid residue in RET. Other variant(s) that disrupt this residue have been determined to be pathogenic (PMID: 7849720, 7874109, 9146685, 9384613, 18206480, 19336503, 19826964, 24805091). This suggests that this residue is clinically significant, and that variants that disrupt this residue are likely to be disease-causing. For these reasons, this variant has been classified as Pathogenic.

Ambry Genetics
Classification: Pathogenic for Hereditary cancer-predisposing syndrome. Last evaluated: 2024-11-20. Review status: criteria provided, single submitter. Criteria: Ambry Variant Classification Scheme 2023. Collection method: clinical testing. Allele origin: germline.
Comment: The p.C620Y pathogenic mutation (also known as c.1859G>A), located in coding exon 10 of the RET gene, results from a G to A substitution at nucleotide position 1859. The cysteine at codon 620 is replaced by tyrosine, an amino acid with highly dissimilar properties. This pathogenic mutation has been well described in numerous individuals with familial medullary thyroid cancer (FMTC) (Donis-Keller H et al. Hum Mol Genet. 1993 Jul;2(7):851-6; Schuffenecker I et al. Hum Mol Genet. 1994 Nov;3(11):1939-43; Fink M et al. Int J Cancer. 1996 Aug 22;69(4):312-6; Frank-Raue K et al. Hum Mutat. 2011 Jan;32(1):51-8; Schrader KA et al. JAMA Oncol. 2016 Jan;2:104-11) and has also been described in a patient with Hirschsprung's disease (Frank-Raue K et al. Hum Mutat. 2011 Jan;32(1):51-8). Furthermore, codon 620 is a well-described mutation hotspot with numerous pathogenic alterations reported at this position (Kloos RT et al. Thyroid. 2009 Jun;19(6):565-612; Wells SA et al. Thyroid. 2015 Jun;25:567-610). This amino acid position is highly conserved in available vertebrate species. In addition, this alteration is predicted to be deleterious by in silico analysis. This variant is also considered to be rare based on population cohorts in the Genome Aggregation Database (gnomAD). Based on the supporting evidence, this alteration is interpreted as a disease-causing mutation.

GeneDx
Classification: Pathogenic. Last evaluated: 2024-09-06. Review status: criteria provided, single submitter. Criteria: GeneDx Variant Classification Process June 2021. Collection method: clinical testing. Allele origin: germline. Affected: yes.
Comment: In silico analysis supports that this missense variant has a deleterious effect on protein structure/function; Not observed at significant frequency in large population cohorts (gnomAD); This variant is associated with the following publications: (PMID: 18062802, 21309721, 9174404, 16158949, 18248647, 20979234, 9067749, 8103403, 12563086, 16411177, 21995290, 22865907, 8733882, 28698976, 26556299, 9681515, 31510104, 32408902, 35668420, 25810047, 9146685, 19336503, 7874109, 16868135, 9230192, 8797874, 8654369, 19826964, 24805091, 18063059, 7849720, 18206480, 16322339, 34092334, 9384613, 9820617, 15472167, 38753300, 14633923, 20065189, 29656518)

Department of Pathology and Laboratory Medicine, Sinai Health System
Classification: Pathogenic for Hirschsprung disease, susceptibility to, 1; Familial medullary thyroid carcinoma; Multiple endocrine neoplasia type 2B; Pheochromocytoma; Multiple endocrine neoplasia type 2A. Last evaluated: 2024-01-09. Review status: criteria provided, single submitter. Criteria: ACMG Guidelines, 2015. Collection method: clinical testing. Allele origin: germline. Affected: no.

Mayo Clinic Laboratories, Mayo Clinic
Classification: Pathogenic. Last evaluated: 2023-10-31. Review status: criteria provided, single submitter. Criteria: ACMG Guidelines, 2015. Collection method: clinical testing. Allele origin: germline. Observed: 2 variant alleles.
Comment: PP1, PP3, PP5, PM2_moderate, PM5, PS4_moderate

Athena Diagnostics
Classification: Pathogenic. Last evaluated: 2021-10-07. Review status: criteria provided, single submitter. Criteria: Athena Diagnostics Criteria. Collection method: clinical testing. Allele origin: unknown.
Comment: This variant has not been reported in large, multi-ethnic general populations. This variant has been identified in at least one individual with clinical features associated with this gene. Over 90% of MEN2A and FMTC families have missense variants in one of six conserved cysteine residues at codons 609, 611, 618, 620, 630 or 634 in the extracellular cysteine-rich region (PMID 19443294). This variant is defined by the American Thyroid Association as being of moderate risk for developing MTC (PMID: 19469690, 25810047). Assessment of experimental evidence suggests this variant results in abnormal protein function. This variant activates RET protein kinase transforming capability, thereby inducing the protein's oncogenic activation (PMID 9230192, 18248647, 15472167, 9012462). This variant alters a critical location within the protein, and is expected to severely affect function and cause disease.

ARUP Laboratories, Molecular Genetics and Genomics, ARUP Laboratories
Classification: Pathogenic. Last evaluated: 2020-12-04. Review status: criteria provided, single submitter. Criteria: ARUP Molecular Germline Variant Investigation Process 2021. Collection method: clinical testing. Allele origin: germline.
Comment: The RET c.1859G>A; p.Cys620Tyr variant is published in the medical literature in individuals affected with multiple endocrine neoplasia type 2A (MEN2A) or MEN2A-associated cancers (Donis-Keller 1993, Frank-Raue 2011, Orgiana 2004). Additionally, other amino acid substitutions at this codon (Arg, Phe, and Ser) are described as causative for MEN2A, though missense variants at this codon often exhibit incomplete penetrance (Wells 2015). The p.Cys620Tyr variant is reported as pathogenic by multiple laboratories in the ClinVar database (Variation ID: 13916), and it is absent from general population databases (Exome Variant Server, Genome Aggregation Database), indicating it is not a common polymorphism. The cysteine at codon 620 is highly conserved, and computational algorithms (PolyPhen-2, SIFT) predict that this variant is deleterious. Considering available information, the p.Cys620Tyr variant is considered to be pathogenic. References: Donis-Keller H et al. Mutations in the RET proto-oncogene are associated with MEN 2A and FMTC. Hum Mol Genet. 1993 Jul;2(7):851-6. Frank-Raue K et al. Risk profiles and penetrance estimations in multiple endocrine neoplasia type 2A caused by germline RET mutations located in exon 10. Hum Mutat. 2011 Jan;32(1):51-8. Orgiana G et al. A new germline RET mutation apparently devoid of transforming activity serendipitously discovered in a patient with atrophic autoimmune thyroiditis and primary ovarian failure. J Clin Endocrinol Metab. 2004 Oct;89(10):4810-6. Wells SA Jr et al. Revised American Thyroid Association guidelines for the management of medullary thyroid carcinoma. Thyroid. 2015 Jun;25(6):567-610.

Greenwood Genetic Center Diagnostic Laboratories, Greenwood Genetic Center
Classification: Pathogenic. Last evaluated: 2020-08-13. Review status: criteria provided, single submitter. Criteria: ACMG Guidelines, 2015. Collection method: clinical testing. Allele origin: germline. Affected: yes.

OMIM
Classification: Pathogenic for MULTIPLE ENDOCRINE NEOPLASIA, TYPE IIA. Last evaluated: 2013-09-04. Review status: no assertion criteria provided. Collection method: literature only. Allele origin: germline. Not counted in ClinVar's aggregate classification.

Clinical Molecular Genetics Laboratory, Johns Hopkins All Children's Hospital
Classification: Pathogenic for Hirschsprung disease. Last evaluated: 2009-04-30. Review status: no assertion criteria provided. Collection method: clinical testing. Allele origin: germline. Affected: yes. Not counted in ClinVar's aggregate classification.

Clinical Molecular Genetics Laboratory, Johns Hopkins All Children's Hospital
Classification: Pathogenic for Multiple endocrine neoplasia, type 2a. Last evaluated: 2009-04-30. Review status: no assertion criteria provided. Collection method: clinical testing. Allele origin: germline. Affected: yes. Not counted in ClinVar's aggregate classification.

Literature cited by the submitters: PubMed 8797874 (cited by 3 submitters); PubMed 9820617 (cited by Labcorp Genetics (formerly Invitae), Labcorp and Athena Diagnostics); PubMed 16322339 (cited by 3 submitters); PubMed 16868135 (cited by 4 submitters); PubMed 18062802 (cited by 3 submitters); PubMed 18063059 (cited by 3 submitters); PubMed 20979234 (cited by 5 submitters); PubMed 26556299 (cited by Labcorp Genetics (formerly Invitae), Labcorp and Ambry Genetics); PubMed 9012462 (cited by 4 submitters); PubMed 15472167 (cited by 4 submitters); PubMed 7849720 (cited by Labcorp Genetics (formerly Invitae), Labcorp); PubMed 7874109 (cited by Labcorp Genetics (formerly Invitae), Labcorp); PubMed 9146685 (cited by Labcorp Genetics (formerly Invitae), Labcorp); PubMed 9384613 (cited by Labcorp Genetics (formerly Invitae), Labcorp and Ambry Genetics); PubMed 18206480 (cited by Labcorp Genetics (formerly Invitae), Labcorp and Ambry Genetics); PubMed 19336503 (cited by Labcorp Genetics (formerly Invitae), Labcorp); PubMed 19826964 (cited by Labcorp Genetics (formerly Invitae), Labcorp); PubMed 24805091 (cited by 3 submitters); PubMed 25810047 (cited by Ambry Genetics); PubMed 34092334 (cited by Ambry Genetics); PubMed 8103403 (cited by Ambry Genetics and Athena Diagnostics); PubMed 31510104 (cited by Mayo Clinic Laboratories, Mayo Clinic and Athena Diagnostics); PubMed 32408902 (cited by Mayo Clinic Laboratories, Mayo Clinic and Athena Diagnostics); PubMed 35668420 (cited by Mayo Clinic Laboratories, Mayo Clinic); PubMed 37374115 (cited by Mayo Clinic Laboratories, Mayo Clinic); PubMed 29656518 (cited by Athena Diagnostics); PubMed 9230192 (cited by Athena Diagnostics); PubMed 8825918 (cited by Athena Diagnostics); PubMed 18248647 (cited by Athena Diagnostics); PubMed 21995290 (cited by Athena Diagnostics); PubMed 20065189 (cited by Athena Diagnostics).